The following is an entry in ClinVar:

ClinVar aggregate classification (germline): Likely benign (1 of 4 stars; one submission).

Submission:

CeGaT Center for Human Genetics Tuebingen
Classification: Likely benign. Last evaluated: 2022-11-01. Review status: criteria provided, single submitter. Criteria: CeGaT Center For Human Genetics Tuebingen Variant Classification Criteria Version 2. Collection method: clinical testing. Allele origin: germline. Affected: yes. Observed: 1 variant allele.
Comment: NACA: BP4, BP7

NM_001365896.1(NACA):c.3450A>T (p.Thr1150=)

Gene: NACA (nascent polypeptide associated complex subunit alpha; minus strand). Cytogenetic location: 12q13.3.
Variant type: single nucleotide variant.
Coding change: c.3450A>T on transcript NM_001365896.1 (MANE Select); coding-DNA position 3450, A replaced by T.
Protein change: p.Thr1150=; no amino-acid change (threonine 1150 retained).
Molecular consequence: synonymous variant. On other transcripts: intron variant (6).
Genome position (GRCh38, 1-based): chr12:56,718,080, T>A on the plus strand (A>T on the coding strand, the complement: NACA is on the minus strand). VCF-style: chr12-56718080-T-A. GRCh37 (hg19) VCF-style: chr12-57111864-T-A.
Other names: c.71-3393A>T (NM_001113202.2, NM_001320194.2, NM_001320193.2 and 2 more transcripts); c.1864+1457A>T (NM_001113203.3).
Identifiers: ClinVar variation 2643104 (VCV002643104.24), dbSNP rs1592316185, ClinGen allele CA948040986.
Genomic context (GRCh38, chr12:56,718,080, plus strand): 5'-CCCTTTTGGGGGTGGGGTAGCTAGACCTCCTTTTGGGGAAGGAGGAGTTGCAGCTGGGGT[T>A]GTGGGGGCCCCTTTTGGGGGTGGGGTAGCTAGACCTCCTTTTGGGGAGGGAGGAGTTGCA-3'
Protein context (NP_001352825.1, residues 1140-1160): LATPPPKGAP[Thr1150=]TPAATPPSPK